The following is an entry in ClinVar:

NM_000179.3(MSH6):c.2306T>C (p.Phe769Ser)

Gene: MSH6 (mutS homolog 6; plus strand). Cytogenetic location: 2p16.3.
Variant type: single nucleotide variant.
Coding change: c.2306T>C on transcript NM_000179.3 (MANE Select); coding-DNA position 2306, T replaced by C.
Protein change: p.Phe769Ser; replaces phenylalanine 769 with serine.
Molecular consequence: missense variant. On other transcripts: non-coding transcript variant (5), intron variant (2).
Genome position (GRCh38, 1-based): chr2:47,800,289, T>C. VCF-style: chr2-47800289-T-C. GRCh37 (hg19) VCF-style: chr2-48027428-T-C.
Other names: c.1916T>C, p.Phe639Ser (NM_001281492.2); c.1400T>C, p.Phe467Ser (NM_001281493.2, NM_001281494.2, NM_001406811.1 and 6 more transcripts); c.2402T>C, p.Phe801Ser (NM_001406795.1, NM_001406802.1); c.2306T>C, p.Phe769Ser (NM_001406796.1, NM_001406798.1, NM_001406800.1 and 3 more transcripts); c.2009T>C, p.Phe670Ser (NM_001406797.1, NM_001406801.1, NM_001406805.1 and 10 more transcripts); c.1781T>C, p.Phe594Ser (NM_001406799.1, NM_001406806.1, NM_001406807.1); c.2228T>C, p.Phe743Ser (NM_001406804.1); c.2312T>C, p.Phe771Ser (NM_001406813.1); and 3 more; short protein forms F467S, F594S, F639S, F670S, F713S, F743S, F769S, F771S.
Identifiers: ClinVar variation 4800213 (VCV004800213.1).

ClinVar aggregate classification (germline): Uncertain significance (1 of 4 stars; one submission).

Conditions:
Hereditary nonpolyposis colorectal neoplasms. Identifiers: MedGen C0009405, MeSH D003123.

Submission:

Labcorp Genetics (formerly Invitae), Labcorp
Classification: Uncertain significance for Hereditary nonpolyposis colorectal neoplasms. Last evaluated: 2025-04-29. Review status: criteria provided, single submitter. Criteria: Invitae Variant Classification Sherloc (09022015). Collection method: clinical testing. Allele origin: germline.
Comment: This sequence change replaces phenylalanine, which is neutral and non-polar, with serine, which is neutral and polar, at codon 769 of the MSH6 protein (p.Phe769Ser). This variant is not present in population databases (gnomAD no frequency). This variant has not been reported in the literature in individuals affected with MSH6-related conditions. Invitae Evidence Modeling of protein sequence and biophysical properties (such as structural, functional, and spatial information, amino acid conservation, physicochemical variation, residue mobility, and thermodynamic stability) has been performed for this missense variant. However, the output from this modeling did not meet the statistical confidence thresholds required to predict the impact of this variant on MSH6 protein function. In summary, the available evidence is currently insufficient to determine the role of this variant in disease. Therefore, it has been classified as a Variant of Uncertain Significance.